The following is an entry in ClinVar:

ClinVar aggregate classification (germline): Uncertain significance (1 of 4 stars; one submission).

Conditions:
Duchenne muscular dystrophy (DMD). Also called: Duchenne Muscular Dystrophy (DMD); MUSCULAR DYSTROPHY, PSEUDOHYPERTROPHIC PROGRESSIVE, DUCHENNE TYPE. Identifiers: Orphanet 98896, MedGen C0013264, MONDO:0010679, OMIM 310200.

Submission:

Labcorp Genetics (formerly Invitae), Labcorp
Classification: Uncertain significance for Duchenne muscular dystrophy. Last evaluated: 2022-08-25. Review status: criteria provided, single submitter. Criteria: Invitae Variant Classification Sherloc (09022015). Collection method: clinical testing. Allele origin: germline.
Comment: In summary, the available evidence is currently insufficient to determine the role of this variant in disease. Therefore, it has been classified as a Variant of Uncertain Significance. Experimental studies and prediction algorithms are not available or were not evaluated, and the functional significance of this variant is currently unknown. A similar copy number variant has been observed in individual(s) with Becker muscular dystrophy (PMID: 19367636). This variant results in a copy number gain of the genomic region encompassing exon(s) 5-12 of the DMD gene. While the exact position of this variant cannot be determined from the data, sub-genic copy number gains are generally in tandem (PMID: 25640679). This variant is predicted to be in-frame, and likely preserves the integrity of the reading frame.

Literature cited by the submitters: PubMed 19367636; PubMed 25640679.

NC_000023.10:g.(?_32632400)_(32841524_?)dup

Gene: DMD (dystrophin; minus strand). Cytogenetic location: Xp21.1.
Variant type: Duplication.
Identifiers: ClinVar variation 2424979 (VCV002424979.5).